The following is an entry in ClinVar:

ClinVar aggregate classification (germline): Uncertain significance (1 of 4 stars; one submission).

Submission:

GeneDx
Classification: Uncertain significance. Last evaluated: 2025-01-31. Review status: criteria provided, single submitter. Criteria: GeneDx Variant Classification Process June 2021. Collection method: clinical testing. Allele origin: germline. Affected: yes.
Comment: Not observed at significant frequency in large population cohorts (gnomAD); In silico analysis supports that this missense variant has a deleterious effect on protein structure/function; Missense variant in a gene in which most reported pathogenic variants are truncating/loss of function; Has not been previously published as pathogenic or benign to our knowledge

NM_201384.3(PLEC):c.1070T>C (p.Val357Ala)

Gene: PLEC (plectin; minus strand). Cytogenetic location: 8q24.3.
Variant type: single nucleotide variant.
Coding change: c.1070T>C on transcript NM_201384.3 (MANE Select); coding-DNA position 1070, T replaced by C.
Protein change: p.Val357Ala; replaces valine 357 with alanine.
Molecular consequence: missense variant.
Genome position (GRCh38, 1-based): chr8:143,934,417, A>G on the plus strand (T>C on the coding strand, the complement: PLEC is on the minus strand). VCF-style: chr8-143934417-A-G. GRCh37 (hg19) VCF-style: chr8-145008585-A-G.
Other names: c.1151T>C, p.Val384Ala (NM_000445.5, NM_001410941.1); c.1028T>C, p.Val343Ala (NM_201378.4); c.1004T>C, p.Val335Ala (NM_201379.3); c.1481T>C, p.Val494Ala (NM_201380.4); c.974T>C, p.Val325Ala (NM_201381.3); c.1070T>C, p.Val357Ala (NM_201382.4); c.1082T>C, p.Val361Ala (NM_201383.3); short protein forms V325A, V335A, V343A, V357A, V361A, V384A, V494A.
Identifiers: ClinVar variation 4072619 (VCV004072619.1).